The following is an entry in ClinVar:

NM_000038.6(APC):c.4251T>G (p.Ile1417Met)

Gene: APC (APC regulator of Wnt signaling pathway; plus strand). Cytogenetic location: 5q22.2.
Variant type: single nucleotide variant.
Coding change: c.4251T>G on transcript NM_000038.6 (MANE Select); coding-DNA position 4251, T replaced by G.
Protein change: p.Ile1417Met; replaces isoleucine 1417 with methionine.
Molecular consequence: missense variant. On other transcripts: non-coding transcript variant (2).
Genome position (GRCh38, 1-based): chr5:112,839,845, T>G. VCF-style: chr5-112839845-T-G. GRCh37 (hg19) VCF-style: chr5-112175542-T-G.
Other names: c.4251T>G, p.Ile1417Met (NM_001127510.3, NM_001354895.2, NM_001407450.1); c.4197T>G, p.Ile1399Met (NM_001127511.3); c.4305T>G, p.Ile1435Met (NM_001354896.2, NM_001407447.1, NM_001407448.1 and 1 more transcripts); c.4281T>G, p.Ile1427Met (NM_001354897.2); c.4176T>G, p.Ile1392Met (NM_001354898.2); c.4167T>G, p.Ile1389Met (NM_001354899.2); c.4128T>G, p.Ile1376Met (NM_001354900.2); c.4074T>G, p.Ile1358Met (NM_001354901.2, NM_001407453.1); and 11 more; short protein forms I1134M, I1291M, I1316M, I1334M, I1392M, I1399M, I1417M, I1445M.
Identifiers: ClinVar variation 2815810 (VCV002815810.3), dbSNP rs758171294, ClinGen allele CA16030644.
Genomic context (GRCh38, chr5:112,839,845, plus strand): 5'-GAGTCGTTCGATTGCCAGCTCCGTTCAGAGTGAACCATGCAGTGGAATGGTAAGTGGCAT[T>G]ATAAGCCCCAGTGATCTTCCAGATAGCCCTGGACAAACCATGCCACCAAGCAGAAGTAAA-3'
Protein context (NP_000029.2, residues 1407-1427): SEPCSGMVSG[Ile1417Met]ISPSDLPDSP

ClinVar aggregate classification (germline): Uncertain significance (1 of 4 stars; one submission).

Conditions:
Familial adenomatous polyposis 1 (FAP1). Also called: FAMILIAL ADENOMATOUS POLYPOSIS 1, ATTENUATED; POLYPOSIS, ADENOMATOUS INTESTINAL. Identifiers: MedGen C2713442, MONDO:0021056, OMIM 175100. Disease mechanism: loss of function.

Submission:

Labcorp Genetics (formerly Invitae), Labcorp
Classification: Uncertain significance for Familial adenomatous polyposis 1. Last evaluated: 2022-11-23. Review status: criteria provided, single submitter. Criteria: Invitae Variant Classification Sherloc (09022015). Collection method: clinical testing. Allele origin: germline.
Comment: This sequence change replaces isoleucine, which is neutral and non-polar, with methionine, which is neutral and non-polar, at codon 1417 of the APC protein (p.Ile1417Met). This variant is not present in population databases (gnomAD no frequency). This variant has not been reported in the literature in individuals affected with APC-related conditions. Advanced modeling of protein sequence and biophysical properties (such as structural, functional, and spatial information, amino acid conservation, physicochemical variation, residue mobility, and thermodynamic stability) performed at Invitae indicates that this missense variant is not expected to disrupt APC protein function. In summary, the available evidence is currently insufficient to determine the role of this variant in disease. Therefore, it has been classified as a Variant of Uncertain Significance.